The following is an entry in ClinVar:

NM_000478.6(ALPL):c.863-2A>G

Gene: ALPL (alkaline phosphatase, biomineralization associated; plus strand). Cytogenetic location: 1p36.12.
Variant type: single nucleotide variant.
Coding change: c.863-2A>G on transcript NM_000478.6 (MANE Select); the canonical splice acceptor site of the intron before coding-DNA position 863, A replaced by G.
Molecular consequence: splice acceptor variant.
Genome position (GRCh38, 1-based): chr1:21,573,663, A>G. VCF-style: chr1-21573663-A-G. GRCh37 (hg19) VCF-style: chr1-21900156-A-G.
Other names: c.863-2A>G (NM_001369805.2, NM_001369804.2, NM_001369803.2); c.698-2A>G (NM_001127501.4); c.632-2A>G (NM_001177520.3).
Identifiers: ClinVar variation 4280611 (VCV004280611.1).

ClinVar aggregate classification (germline): Likely pathogenic (0 of 4 stars; one submission).

Conditions:
Infantile hypophosphatasia. Identifiers: Orphanet 247651, Orphanet 436, MedGen C0268412, MONDO:1010169, OMIM 241500, MONDO:0009427.

Submission:

Department of Medical Genetics, School of Advanced Technologies in Medicine, Golestan University of Medical Sciences
Classification: Likely pathogenic for Infantile hypophosphatasia. Last evaluated: 2023-03-02. Review status: no assertion criteria provided. Collection method: clinical testing. Allele origin: germline. Inheritance: Autosomal recessive inheritance. Affected: yes. Observed: 1 homozygote.
Comment: Evidence supporting classification (ACMG/AMP rationale): PVS1_strong — Variant affects the canonical splice acceptor (−2 position) predicted to abolish normal splicing. In silico predictions and transcript/domain annotation predict skipping of exon 9 (loss of 135 nt → in-frame deletion of 45 aa) that removes residues contributing to the calcium-binding domain and homodimer interface of TNSALP. Loss-of-function (LOF) is a well-established mechanism for hypophosphatasia. PM2_supporting — Absent from large population databases queried at time of analysis (gnomAD, TOPMed, Iranome and other reference datasets). PP3 — Multiple computational tools predict a splice-disrupting effect (MutationTaster, DANN score 0.99, high conservation: PhastCons=1, PhyloP=3.878, GenoCanyon=1.0); overall supportive of a deleterious impact on splicing/protein. PP4_moderate — Phenotype of the fetus is highly specific and consistent with severe prenatal/infantile hypophosphatasia.